The following is an entry in ClinVar:

ClinVar aggregate classification (germline): Conflicting classifications of pathogenicity. Review status: criteria provided, conflicting classifications (1 of 4 stars). 5 submissions from 5 submitters: Uncertain significance (4); Likely benign (1). Last evaluated 2026-01-29.

Conditions:
PKD1-related disorder. Also called: PKD1-related condition.

Allele frequency attached by ClinVar (database versions not stated): gnomAD 0.00013 and 0.00014; TOPMed 0.00017.
gnomAD v4.1: 708 of 1,611,166 alleles (0.044%); highest among the groups gnomAD compares: Non-Finnish European, 0.058%; no homozygotes.

Submissions (5):

PreventionGenetics, part of Exact Sciences
Classification: Uncertain significance for PKD1-related condition. Last evaluated: 2026-01-29. Review status: criteria provided, single submitter. Criteria: ACMG Guidelines, 2015. Collection method: clinical testing. Allele origin: germline.
Comment: The PKD1 c.4008C>A variant is predicted to result in the amino acid substitution p.Asn1336Lys. To our knowledge, this variant has not been reported in the literature. This variant is reported in 0.033% of alleles in individuals of European (Non-Finnish) descent in gnomAD. Although we suspect that this variant may be benign, at this time, the clinical significance of this variant is uncertain due to the absence of conclusive functional and genetic evidence.

Women's Health and Genetics/Laboratory Corporation of America, LabCorp
Classification: Uncertain significance. Last evaluated: 2024-08-22. Review status: criteria provided, single submitter. Criteria: LabCorp Variant Classification Summary - May 2015. Collection method: clinical testing. Allele origin: germline.
Comment: Variant summary: PKD1 c.4008C>A (p.Asn1336Lys) results in a non-conservative amino acid change located in the PKD domain (IPR000601) of the encoded protein sequence. Three of five in-silico tools predict a benign effect of the variant on protein function. The variant allele was found at a frequency of 0.00015 in 246556 control chromosomes. This frequency is not significantly higher than estimated for a pathogenic variant in PKD1 causing Polycystic Kidney Disease 1 (0.00015 vs 0.0005), allowing no conclusion about variant significance. To our knowledge, no occurrence of c.4008C>A in individuals affected with Polycystic Kidney Disease 1 and no experimental evidence demonstrating its impact on protein function have been reported. ClinVar contains an entry for this variant (Variation ID: 586274). Based on the evidence outlined above, the variant was classified as uncertain significance.

Blueprint Genetics
Classification: Likely benign. Last evaluated: 2024-06-21. Review status: criteria provided, single submitter. Criteria: ACMG Guidelines, 2015. Collection method: clinical testing. Allele origin: germline.

Athena Diagnostics
Classification: Uncertain significance. Last evaluated: 2017-10-09. Review status: criteria provided, single submitter. Criteria: Athena Diagnostics Criteria. Collection method: clinical testing. Allele origin: germline.

Breakthrough Genomics
Classification: Uncertain significance. Review status: criteria provided, single submitter. Criteria: ACMG Guidelines, 2015. Collection method: not provided. Allele origin: germline. Inheritance: Autosomal dominant inheritance. Affected: yes.

NM_001009944.3(PKD1):c.4008C>A (p.Asn1336Lys)

Gene: PKD1 (polycystin 1, transient receptor potential channel interacting; minus strand). Cytogenetic location: 16p13.3.
Variant type: single nucleotide variant.
Coding change: c.4008C>A on transcript NM_001009944.3 (MANE Select); coding-DNA position 4008, C replaced by A.
Protein change: p.Asn1336Lys; replaces asparagine 1336 with lysine.
Molecular consequence: missense variant.
Genome position (GRCh38, 1-based): chr16:2,111,159, G>T on the plus strand (C>A on the coding strand, the complement: PKD1 is on the minus strand). VCF-style: chr16-2111159-G-T. GRCh37 (hg19) VCF-style: chr16-2161160-G-T.
Other names: c.4008C>A, p.Asn1336Lys (NM_000296.4); c.4008C>A (NM_001009944.2); short protein forms N1336K.
Identifiers: ClinVar variation 586274 (VCV000586274.6), dbSNP rs770514810, ClinGen allele CA7832532.